The following is an entry in ClinVar:

ClinVar aggregate classification (germline): Uncertain significance. Review status: criteria provided, multiple submitters, no conflicts (2 of 4 stars). 3 submissions from 3 submitters: Uncertain significance (3). Last evaluated 2025-05-05.

Conditions:
Inborn genetic diseases. Identifiers: MedGen C0950123, MeSH D030342.
FANCG-related disorder. Also called: FANCG-related condition.
Fanconi anemia (FA). Also called: Fanconi's anemia. Identifiers: Orphanet 84, MedGen C0015625, MeSH D005199, MONDO:0019391.

gnomAD v4.1: 4 of 1,614,186 alleles (0.00025%); highest among the groups gnomAD compares: Non-Finnish European, 0.00034%; no homozygotes.

Submissions (3):

Labcorp Genetics (formerly Invitae), Labcorp
Classification: Uncertain significance for Fanconi anemia. Last evaluated: 2025-05-05. Review status: criteria provided, single submitter. Criteria: Invitae Variant Classification Sherloc (09022015). Collection method: clinical testing. Allele origin: germline.
Comment: This sequence change replaces serine, which is neutral and polar, with arginine, which is basic and polar, at codon 527 of the FANCG protein (p.Ser527Arg). This variant is present in population databases (no rsID available, gnomAD 0.0009%). This variant has not been reported in the literature in individuals affected with FANCG-related conditions. ClinVar contains an entry for this variant (Variation ID: 2630733). Invitae Evidence Modeling of protein sequence and biophysical properties (such as structural, functional, and spatial information, amino acid conservation, physicochemical variation, residue mobility, and thermodynamic stability) indicates that this missense variant is not expected to disrupt FANCG protein function with a negative predictive value of 80%. Algorithms developed to predict the effect of sequence changes on RNA splicing suggest that this variant may disrupt the consensus splice site. In summary, the available evidence is currently insufficient to determine the role of this variant in disease. Therefore, it has been classified as a Variant of Uncertain Significance.

Ambry Genetics
Classification: Uncertain significance for Inborn genetic diseases. Last evaluated: 2024-12-23. Review status: criteria provided, single submitter. Criteria: Ambry Variant Classification Scheme 2023. Collection method: clinical testing. Allele origin: germline.
Comment: The p.S527R variant (also known as c.1581C>A), located in coding exon 12 of the FANCG gene, results from a C to A substitution at nucleotide position 1581. The serine at codon 527 is replaced by arginine, an amino acid with dissimilar properties. This amino acid position is conserved. In addition, this alteration is predicted to be tolerated by in silico analysis. Based on the available evidence, the clinical significance of this variant remains unclear.

PreventionGenetics, part of Exact Sciences
Classification: Uncertain significance for FANCG-related condition. Last evaluated: 2023-08-29. Review status: criteria provided, single submitter. Criteria: ACMG Guidelines, 2015. Collection method: clinical testing. Allele origin: germline.
Comment: The FANCG c.1581C>A variant is predicted to result in the amino acid substitution p.Ser527Arg. To our knowledge, this variant has not been reported in the literature. This variant is reported in 0.00088% of alleles in individuals of European (Non-Finnish) descent in gnomAD. At this time, the clinical significance of this variant is uncertain due to the absence of conclusive functional and genetic evidence.

NM_004629.2(FANCG):c.1581C>A (p.Ser527Arg)

Gene: FANCG (FA complementation group G; minus strand). Cytogenetic location: 9p13.3.
Variant type: single nucleotide variant.
Coding change: c.1581C>A on transcript NM_004629.2 (MANE Select); coding-DNA position 1581, C replaced by A.
Protein change: p.Ser527Arg; replaces serine 527 with arginine.
Molecular consequence: missense variant.
Genome position (GRCh38, 1-based): chr9:35,074,982, G>T on the plus strand (C>A on the coding strand, the complement: FANCG is on the minus strand). VCF-style: chr9-35074982-G-T. GRCh37 (hg19) VCF-style: chr9-35074979-G-T.
Other names: short protein forms S527R.
Identifiers: ClinVar variation 2630733 (VCV002630733.4), dbSNP rs768671803, ClinGen allele CA373303897.